The following is an entry in ClinVar:

NM_177438.3(DICER1):c.3568G>A (p.Asp1190Asn)

Gene: DICER1 (dicer 1, ribonuclease III; minus strand). Cytogenetic location: 14q32.13.
Variant type: single nucleotide variant.
Coding change: c.3568G>A on transcript NM_177438.3 (MANE Select); coding-DNA position 3568, G replaced by A.
Protein change: p.Asp1190Asn; replaces aspartic acid 1190 with asparagine.
Molecular consequence: missense variant.
Genome position (GRCh38, 1-based): chr14:95,103,828, C>T on the plus strand (G>A on the coding strand, the complement: DICER1 is on the minus strand). VCF-style: chr14-95103828-C-T. GRCh37 (hg19) VCF-style: chr14-95570165-C-T.
Other names: c.3568G>A, p.Asp1190Asn (NM_001195573.1, NM_001271282.3, NM_001291628.2 and 1 more transcripts); short protein forms D1190N.
Identifiers: ClinVar variation 823940 (VCV000823940.14), dbSNP rs1595366040, ClinGen allele CA390874889.

ClinVar aggregate classification (germline): Uncertain significance. Review status: criteria provided, multiple submitters, no conflicts (2 of 4 stars). 3 submissions from 3 submitters: Uncertain significance (3). Last evaluated 2024-01-08.

Conditions:
DICER1-related tumor predisposition. Also called: DICER1-related pleuropulmonary blastoma cancer predisposition syndrome; DICER1 syndrome. Identifiers: Orphanet 284343, MedGen C3839822, MONDO:0100216.
Global developmental delay - lung cysts - overgrowth - Wilms tumor syndrome. Also called: GLOBAL DEVELOPMENTAL DELAY, LUNG CYSTS, OVERGROWTH, AND WILMS TUMOR; GLOW Syndrome. Identifiers: Orphanet 404476, MedGen C4748924, MONDO:0018445, OMIM 618272.
Hereditary cancer-predisposing syndrome. Also called: Neoplastic Syndromes, Hereditary; Hereditary Cancer Syndrome; Hereditary neoplastic syndrome; Tumor predisposition. Identifiers: Orphanet 140162, MedGen C0027672, MeSH D009386, MONDO:0015356.

Submissions (3):

Ambry Genetics
Classification: Uncertain significance for Hereditary cancer-predisposing syndrome. Last evaluated: 2024-01-08. Review status: criteria provided, single submitter. Criteria: Ambry Variant Classification Scheme 2023. Collection method: clinical testing. Allele origin: germline.
Comment: The p.D1190N variant (also known as c.3568G>A), located in coding exon 20 of the DICER1 gene, results from a G to A substitution at nucleotide position 3568. The aspartic acid at codon 1190 is replaced by asparagine, an amino acid with highly similar properties. This amino acid position is not well conserved in available vertebrate species. In addition, this alteration is predicted to be tolerated by in silico analysis. Since supporting evidence is limited at this time, the clinical significance of this alteration remains unclear.

Baylor Genetics
Classification: Uncertain significance for Global developmental delay - lung cysts - overgrowth - Wilms tumor syndrome. Last evaluated: 2023-08-18. Review status: criteria provided, single submitter. Criteria: ACMG Guidelines, 2015. Collection method: clinical testing. Allele origin: unknown.

Labcorp Genetics (formerly Invitae), Labcorp
Classification: Uncertain significance for DICER1-related tumor predisposition. Last evaluated: 2021-04-26. Review status: criteria provided, single submitter. Criteria: Invitae Variant Classification Sherloc (09022015). Collection method: clinical testing. Allele origin: germline.
Comment: This variant has not been reported in the literature in individuals with DICER1-related conditions. ClinVar contains an entry for this variant (Variation ID: 823940). In summary, the available evidence is currently insufficient to determine the role of this variant in disease. Therefore, it has been classified as a Variant of Uncertain Significance. Algorithms developed to predict the effect of missense changes on protein structure and function (SIFT, PolyPhen-2, Align-GVGD) all suggest that this variant is likely to be tolerated, but these predictions have not been confirmed by published functional studies and their clinical significance is uncertain. This variant is not present in population databases (ExAC no frequency). This sequence change replaces aspartic acid with asparagine at codon 1190 of the DICER1 protein (p.Asp1190Asn). The aspartic acid residue is moderately conserved and there is a small physicochemical difference between aspartic acid and asparagine.